The following is an entry in ClinVar:

NM_033419.5(PGAP3):c.757G>A (p.Val253Met)

Gene: PGAP3 (post-GPI attachment to proteins phospholipase 3; minus strand). Cytogenetic location: 17q12.
Variant type: single nucleotide variant.
Coding change: c.757G>A on transcript NM_033419.5 (MANE Select); coding-DNA position 757, G replaced by A.
Protein change: p.Val253Met; replaces valine 253 with methionine.
Molecular consequence: missense variant. On other transcripts: intron variant (3).
Genome position (GRCh38, 1-based): chr17:39,673,193, C>T on the plus strand (G>A on the coding strand, the complement: PGAP3 is on the minus strand). VCF-style: chr17-39673193-C-T. GRCh37 (hg19) VCF-style: chr17-37829446-C-T.
Other names: c.604G>A, p.Val202Met (NM_001291726.2); c.694G>A, p.Val232Met (NM_001291728.2); c.433-327G>A (NM_001291733.2); c.495-327G>A (NM_001291732.2); c.558-327G>A (NM_001291730.2); c.757G>A (NM_033419.3); short protein forms V232M, V202M, V253M.
Identifiers: ClinVar variation 2068698 (VCV002068698.3), dbSNP rs774310689, ClinGen allele CA8533243.

ClinVar aggregate classification (germline): Uncertain significance. Review status: criteria provided, multiple submitters, no conflicts (2 of 4 stars). 2 submissions from 2 submitters: Uncertain significance (2). Last evaluated 2023-06-07.

Conditions:
Inborn genetic diseases. Identifiers: MedGen C0950123, MeSH D030342.

Submissions (2):

Ambry Genetics
Classification: Uncertain significance for Inborn genetic diseases. Last evaluated: 2023-06-07. Review status: criteria provided, single submitter. Criteria: Ambry Variant Classification Scheme 2023. Collection method: clinical testing. Allele origin: germline.

Labcorp Genetics (formerly Invitae), Labcorp
Classification: Uncertain significance. Last evaluated: 2022-05-20. Review status: criteria provided, single submitter. Criteria: Invitae Variant Classification Sherloc (09022015). Collection method: clinical testing. Allele origin: germline.
Comment: This sequence change replaces valine, which is neutral and non-polar, with methionine, which is neutral and non-polar, at codon 253 of the PGAP3 protein (p.Val253Met). This variant is present in population databases (rs774310689, gnomAD 0.006%). This variant has not been reported in the literature in individuals affected with PGAP3-related conditions. Algorithms developed to predict the effect of missense changes on protein structure and function (SIFT, PolyPhen-2, Align-GVGD) all suggest that this variant is likely to be tolerated. In summary, the available evidence is currently insufficient to determine the role of this variant in disease. Therefore, it has been classified as a Variant of Uncertain Significance.